The following is an entry in ClinVar:

NM_001378120.1(MBD5):c.261AGA[1] (p.Glu88del)

Gene: MBD5 (methyl-CpG binding domain protein 5; plus strand). Cytogenetic location: 2q23.1.
Variant type: Microsatellite.
Coding change: c.261AGA[1] on transcript NM_001378120.1 (MANE Select); one copy of the 3-base unit AGA starting at c.261; the reference has two copies in a row; one copy, 3 bases deleted.
Protein change: p.Glu88del; deletes glutamic acid 88.
Genome position (GRCh38, 1-based): chr2:148,463,786-148,463,788, AGA deleted; deleting any 3 consecutive bases within chr2:148,463,783-148,463,788 gives the same sequence; the position shown is the placement nearest the transcript's 3' end. VCF-style (leftmost placement, unchanged base first): chr2-148463782-CAGA-C. GRCh37 (hg19) VCF-style: chr2-149221351-CAGA-C.
Other names: c.261AGA[1], p.Glu88del (NM_001438854.1, NM_001438855.1, NM_001438856.1 and 7 more transcripts); short protein forms E88del.
Identifiers: ClinVar variation 4527975 (VCV004527975.1).

ClinVar aggregate classification (germline): Uncertain significance (1 of 4 stars; one submission).

Submission:

GeneDx
Classification: Uncertain significance. Last evaluated: 2025-05-09. Review status: criteria provided, single submitter. Criteria: GeneDx Variant Classification Process June 2021. Collection method: clinical testing. Allele origin: germline. Affected: yes.
Comment: In-frame deletion of 1 amino acid(s) in a non-repeat region; Not observed at significant frequency in large population cohorts (gnomAD); In silico analysis supports a deleterious effect on protein structure/function; Has not been previously published as pathogenic or benign to our knowledge